The following is an entry in ClinVar:

NM_012081.6(ELL2):c.1878G>A (p.Arg626=)

Gene: ELL2 (elongation factor for RNA polymerase II 2; minus strand). Cytogenetic location: 5q15.
Variant type: single nucleotide variant.
Coding change: c.1878G>A on transcript NM_012081.6 (MANE Select); coding-DNA position 1878, G replaced by A.
Protein change: p.Arg626=; no amino-acid change (arginine 626 retained).
Molecular consequence: synonymous variant.
Genome position (GRCh38, 1-based): chr5:95,888,916, C>T on the plus strand (G>A on the coding strand, the complement: ELL2 is on the minus strand). VCF-style: chr5-95888916-C-T. GRCh37 (hg19) VCF-style: chr5-95224620-C-T.
Identifiers: ClinVar variation 3905411 (VCV003905411.10).

ClinVar aggregate classification (germline): Likely benign (1 of 4 stars; one submission).

gnomAD v4.1: 16 of 1,610,226 alleles (0.00099%); highest among the groups gnomAD compares: South Asian, 0.015%; no homozygotes.

Submission:

CeGaT Center for Human Genetics Tuebingen
Classification: Likely benign. Last evaluated: 2025-06-01. Review status: criteria provided, single submitter. Criteria: CeGaT Center For Human Genetics Tuebingen Variant Classification Criteria Version 2. Collection method: clinical testing. Allele origin: germline. Affected: yes. Observed: 1 variant allele.
Comment: ELL2: BP4, BP7